The following is an entry in ClinVar:

NM_015346.4(ZFYVE26):c.2084A>G (p.Gln695Arg)

Gene: ZFYVE26 (zinc finger FYVE-type containing 26; minus strand). Cytogenetic location: 14q24.1.
Variant type: single nucleotide variant.
Coding change: c.2084A>G on transcript NM_015346.4 (MANE Select); coding-DNA position 2084, A replaced by G.
Protein change: p.Gln695Arg; replaces glutamine 695 with arginine.
Molecular consequence: missense variant.
Genome position (GRCh38, 1-based): chr14:67,798,178, T>C on the plus strand (A>G on the coding strand, the complement: ZFYVE26 is on the minus strand). VCF-style: chr14-67798178-T-C. GRCh37 (hg19) VCF-style: chr14-68264895-T-C.
Other names: short protein forms Q695R.
Identifiers: ClinVar variation 851120 (VCV000851120.4), dbSNP rs774454090, ClinGen allele CA7240403.

ClinVar aggregate classification (germline): Uncertain significance (1 of 4 stars; one submission).

Conditions:
Spastic paraplegia. Identifiers: HP:0007216, MedGen C0037772.

Allele frequency attached by ClinVar (database versions not stated): gnomAD exomes 0.00005 and 0.00006; ExAC 0.00006; gnomAD 0.00007 and 0.00008; TOPMed 0.00009.
gnomAD v4.1: 87 of 1,614,052 alleles (0.0054%); highest among the groups gnomAD compares: Middle Eastern, 0.12%; 1 homozygote.

Submission:

Labcorp Genetics (formerly Invitae), Labcorp
Classification: Uncertain significance for Spastic paraplegia. Last evaluated: 2021-12-29. Review status: criteria provided, single submitter. Criteria: Invitae Variant Classification Sherloc (09022015). Collection method: clinical testing. Allele origin: germline.
Comment: This sequence change replaces glutamine, which is neutral and polar, with arginine, which is basic and polar, at codon 695 of the ZFYVE26 protein (p.Gln695Arg). This variant is present in population databases (rs774454090, gnomAD 0.01%). This variant has not been reported in the literature in individuals affected with ZFYVE26-related conditions. ClinVar contains an entry for this variant (Variation ID: 851120). Algorithms developed to predict the effect of missense changes on protein structure and function output the following: SIFT: "Tolerated"; PolyPhen-2: "Benign"; Align-GVGD: "Class C0". The arginine amino acid residue is found in multiple mammalian species, which suggests that this missense change does not adversely affect protein function. In summary, the available evidence is currently insufficient to determine the role of this variant in disease. Therefore, it has been classified as a Variant of Uncertain Significance.